The following is an entry in ClinVar:

NM_006648.4(WNK2):c.3074T>G (p.Leu1025Arg)

Gene: WNK2 (WNK lysine deficient protein kinase 2; plus strand). Cytogenetic location: 9q22.31.
Variant type: single nucleotide variant.
Coding change: c.3074T>G on transcript NM_006648.4 (MANE Select); coding-DNA position 3074, T replaced by G.
Protein change: p.Leu1025Arg; replaces leucine 1025 with arginine.
Molecular consequence: missense variant.
Genome position (GRCh38, 1-based): chr9:93,261,821, T>G. VCF-style: chr9-93261821-T-G. GRCh37 (hg19) VCF-style: chr9-96024103-T-G.
Other names: c.3074T>G, p.Leu1025Arg (NM_001282394.3); short protein forms L1025R.
Identifiers: ClinVar variation 5031899 (VCV005031899.1).

ClinVar aggregate classification (germline): Uncertain significance (1 of 4 stars; one submission).

Submission:

Ambry Genetics
Classification: Uncertain significance. Last evaluated: 2026-08-03. Review status: criteria provided, single submitter. Criteria: Ambry Variant Classification Scheme 2023. Collection method: clinical testing. Allele origin: germline.
Comment: The p.L1025R variant (also known as c.3074T>G), located in coding exon 12 of the WNK2 gene, results from a T to G substitution at nucleotide position 3074. The leucine at codon 1025 is replaced by arginine, an amino acid with dissimilar properties. This amino acid position is conserved. In addition, the in silico prediction for this alteration is inconclusive. Based on the available evidence, the clinical significance of this variant remains unclear.